The following is an entry in ClinVar:

ClinVar aggregate classification (germline): Uncertain significance (1 of 4 stars; one submission).

gnomAD v4.1: 1 of 1,613,926 alleles (0.000062%); highest among the groups gnomAD compares: Non-Finnish European, 0.000085%; no homozygotes.

Submission:

GeneDx
Classification: Uncertain significance. Last evaluated: 2024-02-07. Review status: criteria provided, single submitter. Criteria: GeneDx Variant Classification Process June 2021. Collection method: clinical testing. Allele origin: germline. Affected: yes.
Comment: Not observed at significant frequency in large population cohorts (gnomAD); In silico analysis supports that this missense variant has a deleterious effect on protein structure/function; Has not been previously published as pathogenic or benign to our knowledge

NM_032119.4(ADGRV1):c.16844C>T (p.Ala5615Val)

Gene: ADGRV1 (adhesion G protein-coupled receptor V1; plus strand). Cytogenetic location: 5q14.3.
Variant type: single nucleotide variant.
Coding change: c.16844C>T on transcript NM_032119.4 (MANE Select); coding-DNA position 16844, C replaced by T.
Protein change: p.Ala5615Val; replaces alanine 5615 with valine.
Molecular consequence: missense variant. On other transcripts: non-coding transcript variant (1).
Genome position (GRCh38, 1-based): chr5:90,840,810, C>T. VCF-style: chr5-90840810-C-T. GRCh37 (hg19) VCF-style: chr5-90136627-C-T.
Other names: short protein forms A5615V.
Identifiers: ClinVar variation 3368848 (VCV003368848.1).